The following is an entry in ClinVar:

NM_000138.5(FBN1):c.2536A>G (p.Ile846Val)

Gene: FBN1 (fibrillin 1; minus strand). Cytogenetic location: 15q21.1.
Variant type: single nucleotide variant.
Coding change: c.2536A>G on transcript NM_000138.5 (MANE Select); coding-DNA position 2536, A replaced by G.
Protein change: p.Ile846Val; replaces isoleucine 846 with valine.
Molecular consequence: missense variant.
Genome position (GRCh38, 1-based): chr15:48,495,472, T>C on the plus strand (A>G on the coding strand, the complement: FBN1 is on the minus strand). VCF-style: chr15-48495472-T-C. GRCh37 (hg19) VCF-style: chr15-48787669-T-C.
Other names: c.2536A>G, p.Ile846Val (NM_001406716.1); short protein forms I846V.
Identifiers: ClinVar variation 3749422 (VCV003749422.4).

ClinVar aggregate classification (germline): Uncertain significance. Review status: criteria provided, multiple submitters, no conflicts (2 of 4 stars). 3 submissions from 3 submitters: Uncertain significance (3). Last evaluated 2025-11-18.

Conditions:
Marfan syndrome (MFS). Also called: MARFAN SYNDROME, TYPE I; Marfan syndrome type 1; Marfan's syndrome; Marfan syndrome, classic; FBN1-Related Marfan Syndrome. Identifiers: Orphanet 284963, Orphanet 558, MedGen C0024796, MONDO:0007947, OMIM 154700.
Familial thoracic aortic aneurysm and aortic dissection (TAAD). Also called: Thoracic aortic aneurysms and dissections. Identifiers: Orphanet 91387, MedGen C4707243, MONDO:0019625.

gnomAD v4.1: 1 of 1,614,026 alleles (0.000062%); highest among the groups gnomAD compares: Non-Finnish European, 0.000085%; no homozygotes.

Submissions (3):

Women's Health and Genetics/Laboratory Corporation of America, LabCorp
Classification: Uncertain significance. Last evaluated: 2025-11-18. Review status: criteria provided, single submitter. Criteria: LabCorp Variant Classification Summary - May 2015. Collection method: clinical testing. Allele origin: germline.
Comment: Variant summary: FBN1 c.2536A>G (p.Ile846Val) results in a conservative amino acid change in the encoded protein sequence. Algorithms developed to predict the effect of missense changes on protein structure and function are either unavailable or do not agree on the potential impact of this missense change. The variant was absent in 251022 control chromosomes. The available data on variant occurrences in the general population are insufficient to allow any conclusion about variant significance. To our knowledge, no occurrence of c.2536A>G in individuals affected with FBN1-related conditions and no experimental evidence demonstrating its impact on protein function have been reported. ClinVar contains an entry for this variant (Variation ID: 3749422). Based on the evidence outlined above, the variant was classified as uncertain significance.

GeneDx
Classification: Uncertain significance. Last evaluated: 2025-03-18. Review status: criteria provided, single submitter. Criteria: GeneDx Variant Classification Process June 2021. Collection method: clinical testing. Allele origin: germline. Affected: yes.
Comment: Not observed at significant frequency in large population cohorts (gnomAD); In silico analysis indicates that this missense variant does not alter protein structure/function; In silico analysis supports a deleterious effect on splicing; Does not affect a cysteine or calcium-binding residue within an EGF-like domain or a TGF-binding protein domain of the FBN1 gene; cysteine substitutions in the EGF-like domains represent the majority of pathogenic missense changes associated with FBN1-related disorders (PMID: 12938084); Has not been previously published as pathogenic or benign to our knowledge; This variant is associated with the following publications: (PMID: 12938084)

Labcorp Genetics (formerly Invitae), Labcorp
Classification: Uncertain significance for Marfan syndrome; Familial thoracic aortic aneurysm and aortic dissection. Last evaluated: 2024-11-16. Review status: criteria provided, single submitter. Criteria: Invitae Variant Classification Sherloc (09022015). Collection method: clinical testing. Allele origin: germline.
Comment: This sequence change replaces isoleucine, which is neutral and non-polar, with valine, which is neutral and non-polar, at codon 846 of the FBN1 protein (p.Ile846Val). This variant is not present in population databases (gnomAD no frequency). This variant has not been reported in the literature in individuals affected with FBN1-related conditions. Invitae Evidence Modeling of protein sequence and biophysical properties (such as structural, functional, and spatial information, amino acid conservation, physicochemical variation, residue mobility, and thermodynamic stability) indicates that this missense variant is not expected to disrupt FBN1 protein function with a negative predictive value of 95%. Algorithms developed to predict the effect of sequence changes on RNA splicing suggest that this variant may disrupt the consensus splice site. In summary, the available evidence is currently insufficient to determine the role of this variant in disease. Therefore, it has been classified as a Variant of Uncertain Significance.